The following is an entry in ClinVar:

ClinVar aggregate classification (germline): Uncertain significance (1 of 4 stars; one submission).

Allele frequency attached by ClinVar (database versions not stated): gnomAD 0.00001; TOPMed 0.00001.

Submission:

GeneDx
Classification: Uncertain significance. Last evaluated: 2023-02-27. Review status: criteria provided, single submitter. Criteria: GeneDx Variant Classification Process June 2021. Collection method: clinical testing. Allele origin: germline. Affected: yes.
Comment: Not observed at significant frequency in large population cohorts (gnomAD); In silico analysis supports that this missense variant does not alter protein structure/function; Has not been previously published as pathogenic or benign to our knowledge

NM_001372044.2(SHANK3):c.2842C>G (p.Pro948Ala)

Gene: SHANK3 (SH3 and multiple ankyrin repeat domains 3; plus strand). Cytogenetic location: 22q13.33.
Variant type: single nucleotide variant.
Coding change: c.2842C>G on transcript NM_001372044.2 (MANE Select); coding-DNA position 2842, C replaced by G.
Protein change: p.Pro948Ala; replaces proline 948 with alanine.
Molecular consequence: missense variant.
Genome position (GRCh38, 1-based): chr22:50,720,450, C>G. VCF-style: chr22-50720450-C-G. GRCh37 (hg19) VCF-style: chr22-51158878-C-G.
Other names: c.2617C>G, p.Pro873Ala (NM_033517.1); short protein forms P873A, P948A.
Identifiers: ClinVar variation 2577740 (VCV002577740.1), dbSNP rs2083274122, ClinGen allele CA515259301.